The following is an entry in ClinVar:

NM_017617.5(NOTCH1):c.2413A>G (p.Thr805Ala)

Gene: NOTCH1 (notch receptor 1; minus strand). Cytogenetic location: 9q34.3.
Variant type: single nucleotide variant.
Coding change: c.2413A>G on transcript NM_017617.5 (MANE Select); coding-DNA position 2413, A replaced by G.
Protein change: p.Thr805Ala; replaces threonine 805 with alanine.
Molecular consequence: missense variant.
Genome position (GRCh38, 1-based): chr9:136,513,075, T>C on the plus strand (A>G on the coding strand, the complement: NOTCH1 is on the minus strand). VCF-style: chr9-136513075-T-C. GRCh37 (hg19) VCF-style: chr9-139407527-T-C.
Other names: short protein forms T805A.
Identifiers: ClinVar variation 4801896 (VCV004801896.1).

ClinVar aggregate classification (germline): Uncertain significance (1 of 4 stars; one submission).

Conditions:
Adams-Oliver syndrome 5 (AOS5). Identifiers: Orphanet 974, MedGen C4014970, MONDO:0014459, OMIM 616028.

Submission:

Labcorp Genetics (formerly Invitae), Labcorp
Classification: Uncertain significance for Adams-Oliver syndrome 5. Last evaluated: 2025-04-14. Review status: criteria provided, single submitter. Criteria: Invitae Variant Classification Sherloc (09022015). Collection method: clinical testing. Allele origin: germline.
Comment: This sequence change replaces threonine, which is neutral and polar, with alanine, which is neutral and non-polar, at codon 805 of the NOTCH1 protein (p.Thr805Ala). This variant is not present in population databases (gnomAD no frequency). This variant has not been reported in the literature in individuals affected with NOTCH1-related conditions. Invitae Evidence Modeling of protein sequence and biophysical properties (such as structural, functional, and spatial information, amino acid conservation, physicochemical variation, residue mobility, and thermodynamic stability) indicates that this missense variant is not expected to disrupt NOTCH1 protein function with a negative predictive value of 95%. In summary, the available evidence is currently insufficient to determine the role of this variant in disease. Therefore, it has been classified as a Variant of Uncertain Significance.